The following is an entry in ClinVar:

ClinVar aggregate classification (germline): Pathogenic (1 of 4 stars; one submission).

Conditions:
Joubert syndrome. Also called: CEREBELLOPARENCHYMAL DISORDER IV; JOUBERT-BOLTSHAUSER SYNDROME; Familial aplasia of the vermis. Identifiers: Orphanet 475, MedGen C5979921, MONDO:0018772.
Nephronophthisis. Also called: Juvenile Nephronophthisis. Identifiers: Orphanet 655, MedGen C0687120, MONDO:0019005, HP:0000090.
Meckel-Gruber syndrome. Also called: DYSENCEPHALIA SPLANCHNOCYSTICA; GRUBER SYNDROME; Dysencephalia splachnocystica. Identifiers: Orphanet 564, MedGen C0265215, MONDO:0018921.

Allele frequency attached by ClinVar (database versions not stated): TOPMed below 0.00001.

Submission:

Labcorp Genetics (formerly Invitae), Labcorp
Classification: Pathogenic for Joubert syndrome; Meckel-Gruber syndrome; Nephronophthisis. Last evaluated: 2021-11-09. Review status: criteria provided, single submitter. Criteria: Invitae Variant Classification Sherloc (09022015). Collection method: clinical testing. Allele origin: germline.
Comment: This variant has not been reported in the literature in individuals affected with CEP290-related conditions. This sequence change creates a premature translational stop signal (p.Gln853*) in the CEP290 gene. It is expected to result in an absent or disrupted protein product. Loss-of-function variants in CEP290 are known to be pathogenic (PMID: 16909394, 17345604, 20690115). This variant is not present in population databases (gnomAD no frequency). For these reasons, this variant has been classified as Pathogenic.

Literature cited by the submitters: PubMed 16909394; PubMed 17345604; PubMed 20690115.

NM_025114.4(CEP290):c.2557C>T (p.Gln853Ter)

Gene: CEP290 (centrosomal protein 290; minus strand). Cytogenetic location: 12q21.32.
Variant type: single nucleotide variant.
Coding change: c.2557C>T on transcript NM_025114.4 (MANE Select); coding-DNA position 2557, C replaced by T.
Protein change: p.Gln853Ter; replaces glutamine 853 with a stop codon.
Molecular consequence: nonsense.
Genome position (GRCh38, 1-based): chr12:88,107,025, G>A on the plus strand (C>T on the coding strand, the complement: CEP290 is on the minus strand). VCF-style: chr12-88107025-G-A. GRCh37 (hg19) VCF-style: chr12-88500802-G-A.
Other names: short protein forms Q853*.
Identifiers: ClinVar variation 1392389 (VCV001392389.6), dbSNP rs2038335853, ClinGen allele CA385971794.